The following is an entry in ClinVar:

NM_020745.4(AARS2):c.2722C>T (p.Pro908Ser)

Gene: AARS2 (alanyl-tRNA synthetase 2, mitochondrial; minus strand). Cytogenetic location: 6p21.1.
Variant type: single nucleotide variant.
Coding change: c.2722C>T on transcript NM_020745.4 (MANE Select); coding-DNA position 2722, C replaced by T.
Protein change: p.Pro908Ser; replaces proline 908 with serine.
Molecular consequence: missense variant.
Genome position (GRCh38, 1-based): chr6:44,301,227, G>A on the plus strand (C>T on the coding strand, the complement: AARS2 is on the minus strand). VCF-style: chr6-44301227-G-A. GRCh37 (hg19) VCF-style: chr6-44268964-G-A.
Other names: c.2722C>T (NM_020745.2); short protein forms P908S.
Identifiers: ClinVar variation 1158430 (VCV001158430.12), dbSNP rs202149382, ClinGen allele CA3833857.
Genomic context (GRCh38, chr6:44,301,227, plus strand): 5'-GACAGGCACACAGCACCTTCCCCATGGGCTGGGGGCTGAGTAGGAGCACAGACGTGCTGG[G>A]GGCCTGCTCACACAGCTGCCGTACCACCTTCACCAGCACCTGGACCACGAAAGACAGATG-3'
Protein context (NP_065796.2, residues 898-918): KVVRQLCEQA[Pro908Ser]STSVLLLSPQ

ClinVar aggregate classification (germline): Conflicting classifications of pathogenicity. Review status: criteria provided, conflicting classifications (1 of 4 stars). 3 submissions from 3 submitters: Uncertain significance (2); Likely benign (1). Last evaluated 2024-04-26.

Conditions:
Inborn genetic diseases. Identifiers: MedGen C0950123, MeSH D030342.

Allele frequency attached by ClinVar (database versions not stated): ESP Exome Variant Server 0.00008; ExAC 0.00009.
gnomAD v4.1: 317 of 1,613,654 alleles (0.02%); highest among the groups gnomAD compares: Non-Finnish European, 0.025%; 1 homozygote.

Submissions (3):

Ambry Genetics
Classification: Uncertain significance for Inborn genetic diseases. Last evaluated: 2024-04-26. Review status: criteria provided, single submitter. Criteria: Ambry Variant Classification Scheme 2023. Collection method: clinical testing. Allele origin: germline.

GeneDx
Classification: Uncertain significance. Last evaluated: 2024-03-05. Review status: criteria provided, single submitter. Criteria: GeneDx Variant Classification Process June 2021. Collection method: clinical testing. Allele origin: germline. Affected: yes.
Comment: Has not been previously published as pathogenic or benign to our knowledge; Not observed at significant frequency in large population cohorts (gnomAD); In silico analysis supports that this missense variant has a deleterious effect on protein structure/function

Labcorp Genetics (formerly Invitae), Labcorp
Classification: Likely benign. Last evaluated: 2023-06-24. Review status: criteria provided, single submitter. Criteria: Invitae Variant Classification Sherloc (09022015). Collection method: clinical testing. Allele origin: germline.